The following is an entry in ClinVar:

ClinVar aggregate classification (germline): Conflicting classifications of pathogenicity. Review status: criteria provided, conflicting classifications (1 of 4 stars). 2 submissions from 2 submitters: Uncertain significance (1); Likely benign (1). Last evaluated 2024-04-06.

Conditions:
Inborn genetic diseases. Identifiers: MedGen C0950123, MeSH D030342.
ALG12-congenital disorder of glycosylation (CDG1G). Also called: Congenital disorder of glycosylation, type Ig; CDG Ig; ALG12-CDG. Identifiers: Orphanet 79324, MedGen C2931001, MONDO:0011783, OMIM 607143.

Allele frequency attached by ClinVar (database versions not stated): ExAC 0.00002; gnomAD exomes 0.00002 and 0.00009; gnomAD 0.00009.
gnomAD v4.1: 144 of 1,614,094 alleles (0.0089%); highest among the groups gnomAD compares: Non-Finnish European, 0.012%; no homozygotes.

Submissions (2):

Ambry Genetics
Classification: Likely benign for Inborn genetic diseases. Last evaluated: 2024-04-06. Review status: criteria provided, single submitter. Criteria: Ambry Variant Classification Scheme 2023. Collection method: clinical testing. Allele origin: germline.

Labcorp Genetics (formerly Invitae), Labcorp
Classification: Uncertain significance for ALG12-congenital disorder of glycosylation. Last evaluated: 2021-08-31. Review status: criteria provided, single submitter. Criteria: Invitae Variant Classification Sherloc (09022015). Collection method: clinical testing. Allele origin: germline.
Comment: This sequence change replaces valine with isoleucine at codon 454 of the ALG12 protein (p.Val454Ile). The valine residue is weakly conserved and there is a small physicochemical difference between valine and isoleucine. This variant is present in population databases (rs777096831, ExAC 0.005%). This variant has not been reported in the literature in individuals affected with ALG12-related conditions. Algorithms developed to predict the effect of missense changes on protein structure and function output the following: SIFT: "Tolerated"; PolyPhen-2: "Benign"; Align-GVGD: "Class C0". The isoleucine amino acid residue is found in multiple mammalian species, which suggests that this missense change does not adversely affect protein function. In summary, the available evidence is currently insufficient to determine the role of this variant in disease. Therefore, it has been classified as a Variant of Uncertain Significance.

NM_024105.4(ALG12):c.1360G>A (p.Val454Ile)

Gene: ALG12 (ALG12 alpha-1,6-mannosyltransferase; minus strand). Cytogenetic location: 22q13.33.
Variant type: single nucleotide variant.
Coding change: c.1360G>A on transcript NM_024105.4 (MANE Select); coding-DNA position 1360, G replaced by A.
Protein change: p.Val454Ile; replaces valine 454 with isoleucine.
Molecular consequence: missense variant.
Genome position (GRCh38, 1-based): chr22:49,903,945, C>T on the plus strand (G>A on the coding strand, the complement: ALG12 is on the minus strand). VCF-style: chr22-49903945-C-T. GRCh37 (hg19) VCF-style: chr22-50297593-C-T.
Other names: c.1360G>A (NM_024105.3); short protein forms V454I.
Identifiers: ClinVar variation 1509820 (VCV001509820.6), dbSNP rs777096831, ClinGen allele CA10300233.